The following is an entry in ClinVar:

NM_030665.4(RAI1):c.4859C>T (p.Ala1620Val)

Gene: RAI1 (retinoic acid induced 1; plus strand). Cytogenetic location: 17p11.2.
Variant type: single nucleotide variant.
Coding change: c.4859C>T on transcript NM_030665.4 (MANE Select); coding-DNA position 4859, C replaced by T.
Protein change: p.Ala1620Val; replaces alanine 1620 with valine.
Molecular consequence: missense variant.
Genome position (GRCh38, 1-based): chr17:17,797,807, C>T. VCF-style: chr17-17797807-C-T. GRCh37 (hg19) VCF-style: chr17-17701121-C-T.
Other names: c.4859C>T (NM_030665.3); short protein forms A1620V.
Identifiers: ClinVar variation 1548229 (VCV001548229.9), dbSNP rs755954506, ClinGen allele CA8419045.

ClinVar aggregate classification (germline): Likely benign. Review status: criteria provided, single submitter (1 of 4 stars). 2 submissions from 2 submitters: Likely benign (1). 1 of the submissions does not count toward it. Last evaluated 2025-01-23.

Conditions:
RAI1-related disorder. Also called: RAI1-related condition.

Allele frequency attached by ClinVar (database versions not stated): ExAC 0.00001; gnomAD 0.00002; TOPMed 0.00002.
gnomAD v4.1: 34 of 1,613,916 alleles (0.0021%); highest among the groups gnomAD compares: Admixed American, 0.0083%; no homozygotes.

Submissions (2):

Labcorp Genetics (formerly Invitae), Labcorp
Classification: Likely benign. Last evaluated: 2025-01-23. Review status: criteria provided, single submitter. Criteria: Invitae Variant Classification Sherloc (09022015). Collection method: clinical testing. Allele origin: germline.

PreventionGenetics, part of Exact Sciences
Classification: Uncertain significance for RAI1-related condition. Last evaluated: 2024-08-19. Review status: no assertion criteria provided. Collection method: clinical testing. Allele origin: germline. Not counted in ClinVar's aggregate classification.
Comment: The RAI1 c.4859C>T variant is predicted to result in the amino acid substitution p.Ala1620Val. To our knowledge, this variant has not been reported in the literature. This variant is reported in 0.0087% of alleles in individuals of Latino descent in gnomAD. At this time, the clinical significance of this variant is uncertain due to the absence of conclusive functional and genetic evidence.